The following is an entry in ClinVar:

NM_025137.4(SPG11):c.7321C>A (p.Leu2441Ile)

Gene: SPG11 (SPG11 vesicle trafficking associated, spatacsin; minus strand). Cytogenetic location: 15q21.1.
Variant type: single nucleotide variant.
Coding change: c.7321C>A on transcript NM_025137.4 (MANE Select); coding-DNA position 7321, C replaced by A.
Protein change: p.Leu2441Ile; replaces leucine 2441 with isoleucine.
Molecular consequence: missense variant.
Genome position (GRCh38, 1-based): chr15:44,563,132, G>T on the plus strand (C>A on the coding strand, the complement: SPG11 is on the minus strand). VCF-style: chr15-44563132-G-T. GRCh37 (hg19) VCF-style: chr15-44855330-G-T.
Other names: c.6982C>A, p.Leu2328Ile (NM_001160227.2); short protein forms L2328I, L2441I.
Identifiers: ClinVar variation 1694741 (VCV001694741.31), dbSNP rs1313297244, ClinGen allele CA392209887.

ClinVar aggregate classification (germline): Uncertain significance (1 of 4 stars; one submission).

Allele frequency attached by ClinVar (database versions not stated): gnomAD exomes below 0.00001; TOPMed below 0.00001; gnomAD 0.00001.
gnomAD v4.1: 3 of 1,613,960 alleles (0.00019%); highest among the groups gnomAD compares: Non-Finnish European, 0.00025%; no homozygotes.

Submission:

CeGaT Center for Human Genetics Tuebingen
Classification: Uncertain significance. Last evaluated: 2022-05-01. Review status: criteria provided, single submitter. Criteria: CeGaT Center For Human Genetics Tuebingen Variant Classification Criteria Version 2. Collection method: clinical testing. Allele origin: germline. Affected: yes. Observed: 1 variant allele.
Comment: SPG11: PP3